The following is an entry in ClinVar:

ClinVar aggregate classification (germline): Uncertain significance. Review status: criteria provided, multiple submitters, no conflicts (2 of 4 stars). 2 submissions from 2 submitters: Uncertain significance (2). Last evaluated 2025-08-01.

Conditions:
Inborn genetic diseases. Identifiers: MedGen C0950123, MeSH D030342.
Cortical dysplasia-focal epilepsy syndrome (PTHSL1). Also called: Pitt-Hopkins-like syndrome 1. Identifiers: Orphanet 163681, Orphanet 221150, MedGen C2750246, MONDO:0012400, OMIM 610042.

Allele frequency attached by ClinVar (database versions not stated): ExAC 0.00002; gnomAD exomes 0.00003; TOPMed 0.00003; gnomAD 0.00004.
gnomAD v4.1: 101 of 1,613,824 alleles (0.0063%); highest among the groups gnomAD compares: Non-Finnish European, 0.0082%; no homozygotes.

Submissions (2):

Ambry Genetics
Classification: Uncertain significance for Inborn genetic diseases. Last evaluated: 2025-08-01. Review status: criteria provided, single submitter. Criteria: Ambry Variant Classification Scheme 2023. Collection method: clinical testing. Allele origin: germline.

Labcorp Genetics (formerly Invitae), Labcorp
Classification: Uncertain significance for Cortical dysplasia-focal epilepsy syndrome. Last evaluated: 2022-02-21. Review status: criteria provided, single submitter. Criteria: Invitae Variant Classification Sherloc (09022015). Collection method: clinical testing. Allele origin: germline.
Comment: This sequence change replaces valine, which is neutral and non-polar, with leucine, which is neutral and non-polar, at codon 1271 of the CNTNAP2 protein (p.Val1271Leu). This variant is present in population databases (rs773493508, gnomAD 0.007%). This variant has not been reported in the literature in individuals affected with CNTNAP2-related conditions. ClinVar contains an entry for this variant (Variation ID: 935583). Algorithms developed to predict the effect of missense changes on protein structure and function are either unavailable or do not agree on the potential impact of this missense change (SIFT: "Deleterious"; PolyPhen-2: "Benign"; Align-GVGD: "Class C0"). In summary, the available evidence is currently insufficient to determine the role of this variant in disease. Therefore, it has been classified as a Variant of Uncertain Significance.

NM_014141.6(CNTNAP2):c.3811G>T (p.Val1271Leu)

Gene: CNTNAP2 (contactin associated protein 2; plus strand). Cytogenetic location: 7q36.1.
Variant type: single nucleotide variant.
Coding change: c.3811G>T on transcript NM_014141.6 (MANE Select); coding-DNA position 3811, G replaced by T.
Protein change: p.Val1271Leu; replaces valine 1271 with leucine.
Molecular consequence: missense variant.
Genome position (GRCh38, 1-based): chr7:148,415,431, G>T. VCF-style: chr7-148415431-G-T. GRCh37 (hg19) VCF-style: chr7-148112523-G-T.
Other names: short protein forms V1271L.
Identifiers: ClinVar variation 935583 (VCV000935583.6), dbSNP rs773493508, ClinGen allele CA4546814.